The following is an entry in ClinVar:

ClinVar aggregate classification (germline): Uncertain significance (1 of 4 stars; one submission).

Conditions:
Short-rib thoracic dysplasia 6 with or without polydactyly (SRTD6). Also called: SHORT RIB-POLYDACTYLY SYNDROME, TYPE IIA; Majewski Syndrome; SHORT-RIB THORACIC DYSPLASIA 6 WITH POLYDACTYLY; SHORT-RIB THORACIC DYSPLASIA 6 WITHOUT POLYDACTYLY; POLYDACTYLY WITH NEONATAL CHONDRODYSTROPHY, TYPE II. Identifiers: MedGen C0024507, MONDO:0009894, OMIM 263520.

Submission:

Labcorp Genetics (formerly Invitae), Labcorp
Classification: Uncertain significance for Short-rib thoracic dysplasia 6 with or without polydactyly. Last evaluated: 2024-04-16. Review status: criteria provided, single submitter. Criteria: Invitae Variant Classification Sherloc (09022015). Collection method: clinical testing. Allele origin: germline.
Comment: This variant, c.1473_1475dup, results in the insertion of 1 amino acid(s) of the NEK1 protein (p.Ala492dup), but otherwise preserves the integrity of the reading frame. This variant is not present in population databases (gnomAD no frequency). This variant has not been reported in the literature in individuals affected with NEK1-related conditions. In summary, the available evidence is currently insufficient to determine the role of this variant in disease. Therefore, it has been classified as a Variant of Uncertain Significance.

NM_001199397.3(NEK1):c.1473_1475dup (p.Ala492_Gly493insAla)

Gene: NEK1 (NIMA related kinase 1; minus strand). Cytogenetic location: 4q33.
Variant type: Duplication.
Coding change: c.1473_1475dup on transcript NM_001199397.3 (MANE Select); coding-DNA positions 1473 to 1475, 3 bases duplicated (TGC; older notation c.1473_1475dupTGC).
Protein change: p.Ala492_Gly493insAla.
Molecular consequence: inframe insertion. On other transcripts: non-coding transcript variant (1), intron variant (3).
Genome position (GRCh38, 1-based): chr4:169,555,807-169,555,809, GCA duplicated on the plus strand (TGC on the coding strand, the reverse complement: NEK1 is on the minus strand); duplicating any 3 consecutive bases within chr4:169,555,807-169,555,811 gives the same sequence; the c. name uses the placement nearest the transcript's 3' end. VCF-style (leftmost placement, unchanged base first): chr4-169555806-T-TGCA. GRCh37 (hg19) VCF-style: chr4-170476957-T-TGCA.
Other names: c.1473_1475dup, p.Ala492_Gly493insAla (NM_001374418.1, NM_001374419.1, NM_012224.4); c.1422_1424dup, p.Ala475_Gly476insAla (NM_001374420.1); c.1347_1349dup, p.Ala450_Gly451insAla (NM_001374421.1); c.1355+123_1355+125dup (NM_001199399.3); c.1430+123_1430+125dup (NM_001199398.3, NM_001199400.3).
Identifiers: ClinVar variation 3609979 (VCV003609979.2).